The following is an entry in ClinVar:

ClinVar aggregate classification (germline): Benign/Likely benign. Review status: criteria provided, multiple submitters, no conflicts (2 of 4 stars). 5 submissions from 5 submitters: Benign (1); Likely benign (4). Last evaluated 2025-11-12.

Conditions:
Lynch syndrome 4 (LYNCH4). Also called: Colorectal cancer, hereditary nonpolyposis, type 4; Hereditary non-polyposis colorectal cancer, type 4. Identifiers: Orphanet 144, MedGen C1838333, MONDO:0013699, OMIM 614337. Disease mechanism: loss of function.
Hereditary nonpolyposis colorectal neoplasms. Identifiers: MedGen C0009405, MeSH D003123.
Hereditary cancer-predisposing syndrome. Also called: Neoplastic Syndromes, Hereditary; Tumor predisposition; Hereditary Cancer Syndrome; Hereditary neoplastic syndrome. Identifiers: Orphanet 140162, MedGen C0027672, MeSH D009386, MONDO:0015356.

Allele frequency attached by ClinVar (database versions not stated): gnomAD exomes below 0.00001; TOPMed below 0.00001.
gnomAD v4.1: 3 of 1,612,402 alleles (0.00019%); highest among the groups gnomAD compares: Non-Finnish European, 0.00025%; no homozygotes.

Submissions (5):

Labcorp Genetics (formerly Invitae), Labcorp
Classification: Likely benign for Hereditary nonpolyposis colorectal neoplasms. Last evaluated: 2025-11-12. Review status: criteria provided, single submitter. Criteria: Invitae Variant Classification Sherloc (09022015). Collection method: clinical testing. Allele origin: germline.

Myriad Genetics, Inc.
Classification: Benign for Lynch syndrome 4. Last evaluated: 2025-01-29. Review status: criteria provided, single submitter. Criteria: Myriad Autosomal Dominant, Autosomal Recessive and X-Linked Classification Criteria (2023). Collection method: clinical testing. Allele origin: unknown.
Comment: This variant is considered benign. This variant is a silent/synonymous amino acid change and it is not expected to impact splicing.

Color Diagnostics, LLC DBA Color Health
Classification: Likely benign for Hereditary cancer-predisposing syndrome. Last evaluated: 2018-11-26. Review status: criteria provided, single submitter. Criteria: ACMG Guidelines, 2015. Collection method: clinical testing. Allele origin: germline.

GeneDx
Classification: Likely benign. Last evaluated: 2017-03-10. Review status: criteria provided, single submitter. Criteria: GeneDx Variant Classification (06012015). Collection method: clinical testing. Allele origin: germline. Affected: yes.
Comment: This variant is considered likely benign or benign based on one or more of the following criteria: it is a conservative change, it occurs at a poorly conserved position in the protein, it is predicted to be benign by multiple in silico algorithms, and/or has population frequency not consistent with disease.

Ambry Genetics
Classification: Likely benign for Hereditary cancer-predisposing syndrome. Last evaluated: 2015-09-30. Review status: criteria provided, single submitter. Criteria: Ambry Variant Classification Scheme 2023. Collection method: clinical testing. Allele origin: germline.

NM_000535.7(PMS2):c.1059A>G (p.Ala353=)

Gene: PMS2 (PMS1 homolog 2, mismatch repair system component; minus strand). Cytogenetic location: 7p22.1.
Variant type: single nucleotide variant.
Coding change: c.1059A>G on transcript NM_000535.7 (MANE Select); coding-DNA position 1059, A replaced by G.
Protein change: p.Ala353=; no amino-acid change (alanine 353 retained).
Molecular consequence: synonymous variant. On other transcripts: non-coding transcript variant (1), intron variant (2).
Genome position (GRCh38, 1-based): chr7:5,989,885, T>C on the plus strand (A>G on the coding strand, the complement: PMS2 is on the minus strand). VCF-style: chr7-5989885-T-C. GRCh37 (hg19) VCF-style: chr7-6029516-T-C.
Other names: c.654A>G, p.Ala218= (NM_001322003.2, NM_001322004.2, NM_001322005.2 and 1 more transcripts); c.741A>G, p.Ala247= (NM_001322007.2, NM_001322008.2); c.126A>G, p.Ala42= (NM_001322011.2, NM_001322012.2); c.486A>G, p.Ala162= (NM_001322013.2); c.1059A>G, p.Ala353= (NM_001322014.2); c.750A>G, p.Ala250= (NM_001322015.2); c.583+2088A>G (NM_001322010.2); c.988+2088A>G (NM_001322006.2).
Identifiers: ClinVar variation 234212 (VCV000234212.18), dbSNP rs876660930, ClinGen allele CA10578687.